The following is an entry in ClinVar:

ClinVar aggregate classification (germline): Pathogenic/Likely pathogenic. Review status: criteria provided, multiple submitters, no conflicts (2 of 4 stars). 3 submissions from 3 submitters: Pathogenic (1); Likely pathogenic (2). Last evaluated 2025-05-08.

Conditions:
Primary ciliary dyskinesia. Also called: Ciliary dyskinesia. Identifiers: Orphanet 244, MedGen C0008780, MONDO:0016575, HP:0012265.
Primary ciliary dyskinesia 9. Also called: CILIARY DYSKINESIA, PRIMARY, 9, WITH OR WITHOUT SITUS INVERSUS. Identifiers: Orphanet 244, MedGen C2676235, MONDO:0012906, OMIM 612444.

Submissions (3):

Natera, Inc.
Classification: Likely pathogenic for Primary ciliary dyskinesia. Last evaluated: 2025-05-08. Review status: criteria provided, single submitter. Criteria: Natera Variant Classification Schema (03/2026). Collection method: clinical testing. Allele origin: germline.
Comment: The c.231dupC variant in DNAI2 is a frameshift variant predicted to shift the reading frame beginning at codon 78 and leads to a stop codon 27 codons downstream. This variant is expected to result in nonsense mediated decay, truncation, or a dysfunctional protein product. This variant is rare in the general population with a frequency below the threshold expected for the associated phenotype(s). Given the available evidence, this variant is classified as Likely Pathogenic.

Fulgent Genetics
Classification: Likely pathogenic for Primary ciliary dyskinesia 9. Last evaluated: 2024-06-06. Review status: criteria provided, single submitter. Criteria: ACMG Guidelines, 2015. Collection method: clinical testing. Allele origin: germline.

Labcorp Genetics (formerly Invitae), Labcorp
Classification: Pathogenic for Primary ciliary dyskinesia. Last evaluated: 2023-05-01. Review status: criteria provided, single submitter. Criteria: Invitae Variant Classification Sherloc (09022015). Collection method: clinical testing. Allele origin: germline.
Comment: For these reasons, this variant has been classified as Pathogenic. This variant has not been reported in the literature in individuals affected with DNAI2-related conditions. This variant is not present in population databases (gnomAD no frequency). This sequence change creates a premature translational stop signal (p.Glu78Argfs*27) in the DNAI2 gene. It is expected to result in an absent or disrupted protein product. Loss-of-function variants in DNAI2 are known to be pathogenic (PMID: 18950741, 23891469).

Literature cited by the submitters: PubMed 18950741 (cited by Labcorp Genetics (formerly Invitae), Labcorp); PubMed 23891469 (cited by Labcorp Genetics (formerly Invitae), Labcorp).

NM_023036.6(DNAI2):c.231dup (p.Glu78fs)

Gene: DNAI2 (dynein axonemal intermediate chain 2; plus strand). Cytogenetic location: 17q25.1.
Variant type: Duplication.
Coding change: c.231dup on transcript NM_023036.6 (MANE Select); coding-DNA position 231, one base duplicated (C; older notation c.231dupC).
Protein change: p.Glu78fs; shifts the reading frame from glutamic acid 78.
Molecular consequence: frameshift variant. On other transcripts: non-coding transcript variant (1).
Genome position (GRCh38, 1-based): chr17:74,285,087, C duplicated. VCF-style (leftmost placement, unchanged base first): chr17-74285086-T-TC. GRCh37 (hg19) VCF-style: chr17-72281225-T-TC.
Other names: c.231dup, p.Glu78fs (NM_001172810.3, NM_001353167.2); c.231dupC (NM_023036.5); short protein forms E78fs.
Identifiers: ClinVar variation 2741230 (VCV002741230.5), dbSNP rs2509692646, ClinGen allele CA2576378264.
Genomic context (GRCh38, chr17:74,285,086, plus strand): 5'-GGCTCTCTGTTTAGGCCAACTCAGAGCGGTTTGAGATGGAGACCCGGGGAGTTAACCATG[T>TC]CGAGGGGGGCTGGCCCAAGGACGTGAACCCCCTGGAGCTGGAGCAGACCATCCGTTTCCG-3'